The following is an entry in ClinVar:

ClinVar aggregate classification (germline): Pathogenic/Likely pathogenic. Review status: criteria provided, multiple submitters, no conflicts (2 of 4 stars). 10 submissions from 10 submitters: Pathogenic (8); Likely pathogenic (1). 1 of the submissions does not count toward it. Last evaluated 2026-01-26.

Conditions:
Pancreatic cancer, susceptibility to, 3. Identifiers: Orphanet 1333, MedGen C3150547, MONDO:0013236, OMIM 613348.
Fanconi anemia complementation group N. Also called: PALB2-Related Fanconi Anemia. Identifiers: Orphanet 84, MedGen C1835817, MONDO:0012565, OMIM 610832. Disease mechanism: loss of function.
Breast-ovarian cancer, familial, susceptibility to, 5 (BROVCA5). Identifiers: MedGen C5830615, MONDO:0957530, OMIM 620442.
Hereditary cancer-predisposing syndrome. Also called: Tumor predisposition; Hereditary Cancer Syndrome; Neoplastic Syndromes, Hereditary; Hereditary neoplastic syndrome. Identifiers: Orphanet 140162, MedGen C0027672, MeSH D009386, MONDO:0015356.
Familial cancer of breast. Also called: BREAST CANCER, FAMILIAL; Hereditary breast cancer; hereditary breast carcinoma. Identifiers: Orphanet 227535, MedGen C0346153, MONDO:0016419, OMIM 114480. Disease mechanism: loss of function.

Allele frequency attached by ClinVar (database versions not stated): gnomAD exomes below 0.00001.

Submissions (10):

Labcorp Genetics (formerly Invitae), Labcorp
Classification: Pathogenic for Familial cancer of breast. Last evaluated: 2026-01-26. Review status: criteria provided, single submitter. Criteria: Invitae Variant Classification Sherloc (09022015). Collection method: clinical testing. Allele origin: germline.
Comment: This sequence change creates a premature translational stop signal (p.Arg26Glyfs*7) in the PALB2 gene. It is expected to result in an absent or disrupted protein product. Loss-of-function variants in PALB2 are known to be pathogenic (PMID: 17200668, 17200671, 17200672, 24136930, 25099575). This variant is not present in population databases (gnomAD no frequency). This premature translational stop signal has been observed in individual(s) with breast and/or ovarian cancer (PMID: 21184274, 25099575). This variant is also known as Leu24fs. ClinVar contains an entry for this variant (Variation ID: 126766). For these reasons, this variant has been classified as Pathogenic.

Clinical Genetics Laboratory, Skane University Hospital Lund
Classification: Pathogenic for Familial cancer of breast. Last evaluated: 2025-05-23. Review status: criteria provided, single submitter. Criteria: ACMG Guidelines, 2015. Collection method: clinical testing. Allele origin: germline. Affected: yes.
Comment: ACMG criteria used: PVS1, PM2_supporting, PM5_supporting

Fulgent Genetics
Classification: Pathogenic for Fanconi anemia complementation group N; Pancreatic cancer, susceptibility to, 3; Breast-ovarian cancer, familial, susceptibility to, 5. Last evaluated: 2024-04-23. Review status: criteria provided, single submitter. Criteria: ACMG Guidelines, 2015. Collection method: clinical testing. Allele origin: germline.

GeneDx
Classification: Pathogenic. Last evaluated: 2023-12-06. Review status: criteria provided, single submitter. Criteria: GeneDx Variant Classification Process June 2021. Collection method: clinical testing. Allele origin: germline. Affected: yes.
Comment: Frameshift variant predicted to result in protein truncation or nonsense mediated decay in a gene for which loss of function is a known mechanism of disease; Not observed at significant frequency in large population cohorts (gnomAD); Truncating variants in this gene are considered pathogenic by a well-established clinical consortium and/or database; This variant is associated with the following publications: (PMID: 21184274, 24556926, 37507557, 25099575, 30303537)

Myriad Genetics, Inc.
Classification: Pathogenic for Familial cancer of breast. Last evaluated: 2023-09-05. Review status: criteria provided, single submitter. Criteria: Myriad Autosomal Dominant, Autosomal Recessive and X-Linked Classification Criteria (2023). Collection method: clinical testing. Allele origin: unknown.
Comment: This variant is considered pathogenic. This variant creates a frameshift predicted to result in premature protein truncation.

Ambry Genetics
Classification: Pathogenic for Hereditary cancer-predisposing syndrome. Last evaluated: 2023-03-20. Review status: criteria provided, single submitter. Criteria: Ambry Variant Classification Scheme 2023. Collection method: clinical testing. Allele origin: germline.
Comment: The c.72delG pathogenic mutation, located in coding exon 2 of the PALB2 gene, results from a deletion of one nucleotide at nucleotide position 72, causing a translational frameshift with a predicted alternate stop codon (p.R26Gfs*7). This alteration has been reported in a familial breast and pancreatic cancer kindred (Peterlongo P et al. Breast Cancer Res. Treat. 2011 Apr;126:825-8). This variant is considered to be rare based on population cohorts in the Genome Aggregation Database (gnomAD). In addition to the clinical data presented in the literature, this alteration is expected to result in loss of function by premature protein truncation or nonsense-mediated mRNA decay. As such, this alteration is interpreted as a disease-causing mutation.

Color Diagnostics, LLC DBA Color Health
Classification: Pathogenic for Hereditary cancer-predisposing syndrome. Last evaluated: 2022-05-06. Review status: criteria provided, single submitter. Criteria: ACMG Guidelines, 2015. Collection method: clinical testing. Allele origin: germline.
Comment: This variant deletes 1 nucleotide in exon 2 of the PALB2 gene, creating a frameshift and premature translation stop signal. This variant is expected to result in an absent or non-functional protein product. This variant has been reported in several individuals affected with breast cancer (PMID: 21184274, 25099575), including one proband with strong family history (PIMD: 21184274). This variant has not been identified in the general population by the Genome Aggregation Database (gnomAD). Loss of PALB2 function is a known mechanism of disease. Based on the available evidence, this variant is classified as Pathogenic.

Institute for Clinical Genetics, University Hospital TU Dresden, University Hospital TU Dresden
Classification: Pathogenic. Last evaluated: 2021-11-03. Review status: criteria provided, single submitter. Criteria: ACMG Guidelines, 2015. Collection method: clinical testing. Allele origin: germline.

Institute of Human Genetics, University of Leipzig Medical Center
Classification: Likely pathogenic for Familial cancer of breast. Last evaluated: 2020-09-15. Review status: criteria provided, single submitter. Criteria: ACMG Guidelines, 2015. Collection method: clinical testing. Allele origin: unknown. Affected: yes.

Leiden Open Variation Database
Classification: Pathogenic. Last evaluated: 2019-05-13. Review status: no assertion criteria provided. Collection method: curation. Allele origin: germline. Affected: yes. Not counted in ClinVar's aggregate classification.
Comment: Curators: Marc Tischkowitz, Arleen D. Auerbach. Submitter to LOVD: Marc Tischkowitz.

Literature cited by the submitters: PubMed 17200668 (cited by Labcorp Genetics (formerly Invitae), Labcorp); PubMed 17200671 (cited by Labcorp Genetics (formerly Invitae), Labcorp); PubMed 17200672 (cited by Labcorp Genetics (formerly Invitae), Labcorp); PubMed 24136930 (cited by Labcorp Genetics (formerly Invitae), Labcorp); PubMed 25099575 (cited by 3 submitters); PubMed 21184274 (cited by 4 submitters); PubMed 24556926 (cited by Leiden Open Variation Database).

NM_024675.4(PALB2):c.72del (p.Arg26fs)

Gene: PALB2 (partner and localizer of BRCA2; minus strand). Cytogenetic location: 16p12.2.
Variant type: Deletion.
Coding change: c.72del on transcript NM_024675.4 (MANE Select); coding-DNA position 72, one base deleted (G; older notation c.72delG).
Protein change: p.Arg26fs; shifts the reading frame from arginine 26.
Molecular consequence: frameshift variant.
Genome position (GRCh38, 1-based): chr16:23,638,106, C deleted on the plus strand (G on the coding strand, the reverse complement: PALB2 is on the minus strand). VCF-style (leftmost placement, unchanged base first): chr16-23638105-TC-T. GRCh37 (hg19) VCF-style: chr16-23649426-TC-T.
Other names: c.72delG (NM_024675.3); short protein forms R26fs.
Identifiers: ClinVar variation 126766 (VCV000126766.27), dbSNP rs180177142, ClinGen allele CA151253.